The following is an entry in ClinVar:

ClinVar aggregate classification (germline): Conflicting classifications of pathogenicity. Review status: criteria provided, conflicting classifications (1 of 4 stars). 4 submissions from 4 submitters: Uncertain significance (2); Likely benign (2). Last evaluated 2026-08-03.

Conditions:
HSD17B4-related disorder. Also called: HSD17B4-related condition; HSD17B4-related disorders.
Bifunctional peroxisomal enzyme deficiency (DBIF). Also called: DBP DEFICIENCY; PBFE DEFICIENCY; D-bifunctional protein deficiency. Identifiers: Orphanet 300, MedGen C0342870, MONDO:0009855, OMIM 261515. Disease mechanism: loss of function.
Perrault syndrome. Also called: Gonadal dysgenesis with auditory dysfunction, autosomal recessive inheritance. Identifiers: Orphanet 2855, MedGen C0685838, MONDO:0017312.

Allele frequency attached by ClinVar (database versions not stated): 1000 Genomes Project 0.00020; ESP Exome Variant Server 0.00023; gnomAD 0.00029 and 0.00034; 1000 Genomes Project 30x 0.00031; TOPMed 0.00044.
gnomAD v4.1: 90 of 1,613,946 alleles (0.0056%); highest among the groups gnomAD compares: African/African-American, 0.099%; no homozygotes.

Submissions (4):

PreventionGenetics, part of Exact Sciences
Classification: Uncertain significance for HSD17B4-related condition. Last evaluated: 2026-08-03. Review status: criteria provided, single submitter. Criteria: ACMG Guidelines, 2015. Collection method: clinical testing. Allele origin: germline.
Comment: The HSD17B4 c.1138A>G variant is predicted to result in the amino acid substitution p.Ile380Val. To our knowledge, this variant has not been reported in the literature. This variant is reported in 0.088% of alleles in individuals of African descent in gnomAD, which may be too frequent to be a primary cause of disease. Although we suspect that this variant may be benign, at this time, the clinical significance of this variant is uncertain due to the absence of conclusive functional and genetic evidence.

Labcorp Genetics (formerly Invitae), Labcorp
Classification: Likely benign for Perrault syndrome; Bifunctional peroxisomal enzyme deficiency. Last evaluated: 2026-01-21. Review status: criteria provided, single submitter. Criteria: Invitae Variant Classification Sherloc (09022015). Collection method: clinical testing. Allele origin: germline.

GeneDx
Classification: Likely benign. Last evaluated: 2021-03-31. Review status: criteria provided, single submitter. Criteria: GeneDx Variant Classification Process June 2021. Collection method: clinical testing. Allele origin: germline. Affected: yes.
Comment: This variant is associated with the following publications: (PMID: 28649525)

Eurofins Ntd Llc (ga)
Classification: Uncertain significance. Last evaluated: 2017-10-16. Review status: criteria provided, single submitter. Criteria: EGL Classification Definitions 2015. Collection method: clinical testing. Allele origin: germline. Observed: 1 variant allele, 1 heterozygote.

NM_000414.4(HSD17B4):c.1138A>G (p.Ile380Val)

Gene: HSD17B4 (hydroxysteroid 17-beta dehydrogenase 4; plus strand). Cytogenetic location: 5q23.1.
Variant type: single nucleotide variant.
Coding change: c.1138A>G on transcript NM_000414.4 (MANE Select); coding-DNA position 1138, A replaced by G.
Protein change: p.Ile380Val; replaces isoleucine 380 with valine.
Molecular consequence: missense variant.
Genome position (GRCh38, 1-based): chr5:119,499,482, A>G. VCF-style: chr5-119499482-A-G. GRCh37 (hg19) VCF-style: chr5-118835177-A-G.
Other names: c.1213A>G, p.Ile405Val (NM_001199291.3); c.1084A>G, p.Ile362Val (NM_001199292.2); c.1066A>G, p.Ile356Val (NM_001292027.2); c.718A>G, p.Ile240Val (NM_001292028.2); short protein forms I380V, I362V, I356V, I240V, I405V.
Identifiers: ClinVar variation 594567 (VCV000594567.18), dbSNP rs137946207, ClinGen allele CA3382095.
Genomic context (GRCh38, chr5:119,499,482, plus strand): 5'-GATTTGAAATTTATTTATGAAGGAAGTTCTGATTTCTCCTGTTTGCCCACCTTCGGAGTT[A>G]TCATAGGTCAGAAATCTATGATGGGTGGAGGATTAGCAGAAATTCCTGGACTTTCAATCA-3'
Protein context (NP_000405.1, residues 370-390): DFSCLPTFGV[Ile380Val]IGQKSMMGGG